The following is an entry in ClinVar:

ClinVar aggregate classification (germline): Likely pathogenic (1 of 4 stars; one submission).

Conditions:
Familial intrahepatic cholestasis. Identifiers: Orphanet 284385, MedGen CN296401, MONDO:0017290.

Submission:

Genomenon, Inc
Classification: Likely pathogenic for Familial intrahepatic cholestasis. Last evaluated: 2026-04-14. Review status: criteria provided, single submitter. Criteria: Genomenon Sequence Variant Interpretation Standards - Updated. Collection method: curation. Allele origin: germline. Affected: yes.
Comment: ABCB4 p.Leu842Pro (c.2525T>C) is a missense variant that changes the amino acid at residue 842 from Leucine to Proline. This variant has been observed in at least one proband with an ABCB4-related disorder (PMID:38610052;33842647). The variant was found to segregate with disease in at least one affected family (PMID:33842647). It has been observed in trans with a pathogenic or likely pathogenic variant (PMID:33842647). It is absent or not present at a significant frequency in gnomAD. In silico models predict that this variant is possibly or probably damaging. In conclusion, we classify ABCB4 p.Leu842Pro (c.2525T>C) as a likely pathogenic variant.

Literature cited by the submitters: PubMed 38610052; PubMed 33842647.

NM_000443.4(ABCB4):c.2525T>C (p.Leu842Pro)

Gene: ABCB4 (ATP binding cassette subfamily B member 4; minus strand). Cytogenetic location: 7q21.12.
Variant type: single nucleotide variant.
Coding change: c.2525T>C on transcript NM_000443.4 (MANE Select); coding-DNA position 2525, T replaced by C.
Protein change: p.Leu842Pro; replaces leucine 842 with proline.
Molecular consequence: missense variant.
Genome position (GRCh38, 1-based): chr7:87,417,469, A>G on the plus strand (T>C on the coding strand, the complement: ABCB4 is on the minus strand). VCF-style: chr7-87417469-A-G. GRCh37 (hg19) VCF-style: chr7-87046785-A-G.
Other names: c.2525T>C, p.Leu842Pro (NM_018849.3, NM_018850.3); short protein forms L842P.
Identifiers: ClinVar variation 4846549 (VCV004846549.1).